The following is an entry in ClinVar:

NM_018417.6(ADCY10):c.1216+15C>T

Genes: ADCY10 (adenylate cyclase 10; minus strand), DCAF6 (DDB1 and CUL4 associated factor 6; plus strand). Cytogenetic location: 1q24.2.
Variant type: single nucleotide variant.
Coding change: c.1216+15C>T on transcript NM_018417.6 (MANE Select); 15 bases into the intron after coding-DNA position 1216, C replaced by T.
Molecular consequence: intron variant.
Genome position (GRCh38, 1-based): chr1:167,880,100, G>A on the plus strand (C>T on the coding strand, the complement: ADCY10 is on the minus strand). VCF-style: chr1-167880100-G-A. GRCh37 (hg19) VCF-style: chr1-167849338-G-A.
Other names: c.757+15C>T (NM_001167749.3); c.940+15C>T (NM_001297772.2).
Identifiers: ClinVar variation 1902102 (VCV001902102.5), dbSNP rs377027585, ClinGen allele CA1228029.

ClinVar aggregate classification (germline): Uncertain significance (1 of 4 stars; one submission).

Allele frequency attached by ClinVar (database versions not stated): gnomAD 0.00001; TOPMed 0.00002; gnomAD exomes 0.00003; ExAC 0.00005; ESP Exome Variant Server 0.00008.
gnomAD v4.1: 51 of 1,608,056 alleles (0.0032%); highest among the groups gnomAD compares: Non-Finnish European, 0.0038%; 1 homozygote.

Submission:

Labcorp Genetics (formerly Invitae), Labcorp
Classification: Uncertain significance. Last evaluated: 2025-05-08. Review status: criteria provided, single submitter. Criteria: Invitae Variant Classification Sherloc (09022015). Collection method: clinical testing. Allele origin: germline.
Comment: This sequence change falls in intron 11 of the ADCY10 gene. It does not directly change the encoded amino acid sequence of the ADCY10 protein. This variant is present in population databases (rs377027585, gnomAD 0.01%). This variant has not been reported in the literature in individuals affected with ADCY10-related conditions. ClinVar contains an entry for this variant (Variation ID: 1902102). Algorithms developed to predict the effect of sequence changes on RNA splicing suggest that this variant may create or strengthen a splice site. In summary, the available evidence is currently insufficient to determine the role of this variant in disease. Therefore, it has been classified as a Variant of Uncertain Significance.